The following is an entry in ClinVar:

ClinVar aggregate classification (germline): Uncertain significance. Review status: criteria provided, multiple submitters, no conflicts (2 of 4 stars). 4 submissions from 4 submitters: Uncertain significance (4). Last evaluated 2025-02-04.

Conditions:
Developmental and epileptic encephalopathy, 18 (DEE18). Also called: Early infantile epileptic encephalopathy 18. Identifiers: Orphanet 369894, MedGen C3809624, MONDO:0014201, OMIM 615476.
Inborn genetic diseases. Identifiers: MedGen C0950123, MeSH D030342.

Allele frequency attached by ClinVar (database versions not stated): gnomAD exomes below 0.00001 and 0.00001; ExAC 0.00001; gnomAD 0.00001.
gnomAD v4.1: 12 of 1,613,786 alleles (0.00074%); highest among the groups gnomAD compares: African/African-American, 0.0013%; no homozygotes.

Submissions (4):

Ambry Genetics
Classification: Uncertain significance for Inborn genetic diseases. Last evaluated: 2025-02-04. Review status: criteria provided, single submitter. Criteria: Ambry Variant Classification Scheme 2023. Collection method: clinical testing. Allele origin: germline.

Genome-Nilou Lab
Classification: Uncertain significance for Developmental and epileptic encephalopathy, 18. Last evaluated: 2023-04-11. Review status: criteria provided, single submitter. Criteria: ACMG Guidelines, 2015. Collection method: clinical testing. Allele origin: germline. Affected: no.

Labcorp Genetics (formerly Invitae), Labcorp
Classification: Uncertain significance. Last evaluated: 2022-07-19. Review status: criteria provided, single submitter. Criteria: Invitae Variant Classification Sherloc (09022015). Collection method: clinical testing. Allele origin: germline.
Comment: This sequence change replaces arginine, which is basic and polar, with tryptophan, which is neutral and slightly polar, at codon 3009 of the SZT2 protein (p.Arg3009Trp). The frequency data for this variant in the population databases is considered unreliable, as metrics indicate poor data quality at this position in the gnomAD database. This variant has not been reported in the literature in individuals affected with SZT2-related conditions. ClinVar contains an entry for this variant (Variation ID: 1307893). Algorithms developed to predict the effect of missense changes on protein structure and function (SIFT, PolyPhen-2, Align-GVGD) all suggest that this variant is likely to be disruptive. In summary, the available evidence is currently insufficient to determine the role of this variant in disease. Therefore, it has been classified as a Variant of Uncertain Significance.

GeneDx
Classification: Uncertain significance. Last evaluated: 2019-08-09. Review status: criteria provided, single submitter. Criteria: GeneDx Variant Classification Process June 2021. Collection method: clinical testing. Allele origin: germline. Affected: yes.
Comment: Has not been previously published as pathogenic or benign to our knowledge

NM_001365999.1(SZT2):c.9196C>T (p.Arg3066Trp)

Gene: SZT2 (SZT2 subunit of KICSTOR complex; plus strand). Cytogenetic location: 1p34.2.
Variant type: single nucleotide variant.
Coding change: c.9196C>T on transcript NM_001365999.1 (MANE Select); coding-DNA position 9196, C replaced by T.
Protein change: p.Arg3066Trp; replaces arginine 3066 with tryptophan.
Molecular consequence: missense variant.
Genome position (GRCh38, 1-based): chr1:43,447,078, C>T. VCF-style: chr1-43447078-C-T. GRCh37 (hg19) VCF-style: chr1-43912749-C-T.
Other names: c.9025C>T, p.Arg3009Trp (NM_015284.4); short protein forms R3009W, R3066W.
Identifiers: ClinVar variation 1307893 (VCV001307893.5), dbSNP rs768514895, ClinGen allele CA810844.